The following is an entry in ClinVar:

NM_001171.6(ABCC6):c.3390G>A (p.Thr1130=)

Gene: ABCC6 (ATP binding cassette subfamily C member 6; minus strand). Cytogenetic location: 16p13.11.
Variant type: single nucleotide variant.
Coding change: c.3390G>A on transcript NM_001171.6 (MANE Select); coding-DNA position 3390, G replaced by A.
Protein change: p.Thr1130=; no amino-acid change (threonine 1130 retained).
Molecular consequence: synonymous variant.
Genome position (GRCh38, 1-based): chr16:16,163,109, C>T on the plus strand (G>A on the coding strand, the complement: ABCC6 is on the minus strand). VCF-style: chr16-16163109-C-T. GRCh37 (hg19) VCF-style: chr16-16256966-C-T.
Other names: c.3048G>A, p.Thr1016= (NM_001351800.1).
Identifiers: ClinVar variation 1660048 (VCV001660048.22), dbSNP rs149775493, ClinGen allele CA7925591.

ClinVar aggregate classification (germline): Likely benign. Review status: criteria provided, multiple submitters, no conflicts (2 of 4 stars). 3 submissions from 3 submitters: Likely benign (3). Last evaluated 2026-01-06.

Allele frequency attached by ClinVar (database versions not stated): gnomAD 0.00002; TOPMed 0.00002; gnomAD exomes 0.00004 and 0.00006; ExAC 0.00005; ESP Exome Variant Server 0.00015.
gnomAD v4.1: 88 of 1,613,720 alleles (0.0055%); highest among the groups gnomAD compares: Non-Finnish European, 0.007%; no homozygotes.

Submissions (3):

Labcorp Genetics (formerly Invitae), Labcorp
Classification: Likely benign. Last evaluated: 2026-01-06. Review status: criteria provided, single submitter. Criteria: Invitae Variant Classification Sherloc (09022015). Collection method: clinical testing. Allele origin: germline.

CeGaT Center for Human Genetics Tuebingen
Classification: Likely benign. Last evaluated: 2025-01-01. Review status: criteria provided, single submitter. Criteria: CeGaT Center For Human Genetics Tuebingen Variant Classification Criteria Version 2. Collection method: clinical testing. Allele origin: germline. Affected: yes. Observed: 1 variant allele.
Comment: ABCC6: BP4, BP7

Blueprint Genetics
Classification: Likely benign. Last evaluated: 2023-09-22. Review status: criteria provided, single submitter. Criteria: ACMG Guidelines, 2015. Collection method: clinical testing. Allele origin: germline.